The following is an entry in ClinVar:

NM_000088.4(COL1A1):c.3261del (p.Gly1088fs)

Gene: COL1A1 (collagen type I alpha 1 chain; minus strand). Cytogenetic location: 17q21.33.
Variant type: Deletion.
Coding change: c.3261del on transcript NM_000088.4 (MANE Select); coding-DNA position 3261, one base deleted (C; older notation c.3261delC).
Protein change: p.Gly1088fs; shifts the reading frame from glycine 1088.
Molecular consequence: frameshift variant.
Genome position (GRCh38, 1-based): chr17:50,188,096, G deleted on the plus strand (C on the coding strand, the reverse complement: COL1A1 is on the minus strand); the first of 2 consecutive G bases (chr17:50,188,096-50,188,097); deleting either gives the same sequence. VCF-style (leftmost placement, unchanged base first): chr17-50188095-CG-C. GRCh37 (hg19) VCF-style: chr17-48265456-CG-C.
Other names: short protein forms G1088fs.
Identifiers: ClinVar variation 1366528 (VCV001366528.6), dbSNP rs2144543361, ClinGen allele CA2573154192.
Genomic context (GRCh38, chr17:50,188,095, plus strand): 5'-GTGGGGCACTGTCTGCATCTGTAGAGTTCTAAAGGCATGGGGGACACAGCAGGGTACTTA[CG>C]GCGGGGCCACGGGCGCCAACAGGGCCGACAGGACCGGCGGGACCAGCAGGACCCTGGGGA-3'

ClinVar aggregate classification (germline): Pathogenic (1 of 4 stars; one submission).

Conditions:
Osteogenesis imperfecta type I (OI1). Also called: Lobstein's Disease; OI, TYPE I; OSTEOGENESIS IMPERFECTA TARDA; OSTEOGENESIS IMPERFECTA WITH BLUE SCLERAE; Osteogenesis imperfecta type 1; Lobstein disease. Identifiers: Orphanet 216796, Orphanet 666, MedGen C0023931, MONDO:0008146, OMIM 166200. Disease mechanism: loss of function.

Submission:

Labcorp Genetics (formerly Invitae), Labcorp
Classification: Pathogenic for Osteogenesis imperfecta type I. Last evaluated: 2021-05-26. Review status: criteria provided, single submitter. Criteria: Invitae Variant Classification Sherloc (09022015). Collection method: clinical testing. Allele origin: germline.
Comment: This variant has not been reported in the literature in individuals with COL1A1-related conditions. Algorithms developed to predict the effect of sequence changes on RNA splicing suggest that this variant may disrupt the consensus splice site, but this prediction has not been confirmed by published transcriptional studies. For these reasons, this variant has been classified as Pathogenic. This sequence change creates a premature translational stop signal (p.Gly1088Aspfs*20) in the COL1A1 gene. It is expected to result in an absent or disrupted protein product. Loss-of-function variants in COL1A1 are known to be pathogenic (PMID: 7942841, 9295084, 9443882). This variant is not present in population databases (ExAC no frequency).

Literature cited by the submitters: PubMed 7942841; PubMed 9295084; PubMed 9443882.